The following continues an entry in ClinVar:

NM_007194.4(CHEK2):c.906A>C (p.Glu302Asp)

Gene: CHEK2. ClinVar aggregate classification (germline): Uncertain significance. Uncertain significance (12).

Submissions 10 to 13 of 13:

GeneDx
Classification: Uncertain significance. Last evaluated: 2022-04-06. Review status: criteria provided, single submitter. Criteria: GeneDx Variant Classification Process June 2021. Collection method: clinical testing. Allele origin: germline. Affected: yes.
Comment: Published functional studies are inconclusive: intermediate response to DNA damage (Delimitsou 2019); Identified in individuals with personal or family history of breast/ovarian cancer (Rizzolo 2019, Tsaousis 2019, Vargas-Parra 2020); Not observed at significant frequency in large population cohorts (gnomAD); In silico analysis supports that this missense variant has a deleterious effect on protein structure/function; Also known as c.1035A>C; p.Glu345Asp; This variant is associated with the following publications: (PMID: 31159747, 22419737, 19782031, 32906215, 30613976, 33320972, 30851065)

Fulgent Genetics
Classification: Uncertain significance for Familial cancer of breast; Colorectal cancer; Familial prostate cancer; Bone osteosarcoma; CHEK2-related cancer predisposition. Last evaluated: 2021-07-27. Review status: criteria provided, single submitter. Criteria: ACMG Guidelines, 2015. Collection method: clinical testing. Allele origin: unknown.

GeneKor MSA
Classification: Uncertain significance for Hereditary cancer-predisposing syndrome. Last evaluated: 2018-08-01. Review status: criteria provided, single submitter. Criteria: ACMG Guidelines, 2015. Collection method: clinical testing. Allele origin: germline. Affected: yes.

Department of Pathology and Laboratory Medicine, Sinai Health System
Classification: Uncertain significance for Carcinoma of colon. Review status: no assertion criteria provided. Collection method: clinical testing. Allele origin: unknown. Affected: yes. Study: The Canadian Open Genetics Repository (COGR). Not counted in ClinVar's aggregate classification.
Comment: The CHEK2 p.Glu302Asp variant was not identified in the literature. The variant was identified in dbSNP (rs587780190) as â€šÃ„Ãºwith uncertain significance alleleâ€šÃ„Ã¹ and ClinVar (classified as uncertain significance by Invitae, Color, GeneDx, Ambry Genetics, and 3 other submitters). The variant was identified in control databases in 8 of 234,112 chromosomes at a frequency of 0.00003 (Genome Aggregation Database Feb 27, 2017). The variant was observed in the following populations: Latino in 2 of 29,918 chromosomes (freq: 0.00007) and European in 6 of 101,258 chromosomes (freq: 0.00006), while the variant was not observed in the African, Ashkenazi Jewish, East Asian, Finnish, Other or South Asian populations. The p.Glu302 residue is conserved in mammals and computational analyses (PolyPhen-2, SIFT, AlignGVGD, BLOSUM, MutationTaster) provide inconsistent predictions regarding the impact to the protein; this information is not very predictive of pathogenicity. The p.Glu302Asp variant occurs in the last codon of the exon. This position has been shown to be part of the splicing consensus sequence and variants involving this position sometimes affect splicing. However, in silico or computational prediction software programs (SpliceSiteFinder, MaxEntScan, NNSPLICE, GeneSplicer) do not predict a difference in splicing. In summary, based on the above information, the clinical significance of this variant cannot be determined with certainty at this time. This variant is classified as a variant of uncertain significance.

Literature cited by the submitters: PubMed 29522266 (cited by 6 submitters); PubMed 30613976 (cited by 4 submitters); PubMed 31159747 (cited by 4 submitters); PubMed 37449874 (cited by 3 submitters); PubMed 30851065 (cited by 5 submitters); PubMed 33471991 (cited by Color Diagnostics, LLC DBA Color Health); PubMed 37262986 (cited by Color Diagnostics, LLC DBA Color Health and Women's Health and Genetics/Laboratory Corporation of America, LabCorp); PubMed 30262796 (cited by Women's Health and Genetics/Laboratory Corporation of America, LabCorp); PubMed 31658756 (cited by Women's Health and Genetics/Laboratory Corporation of America, LabCorp); PubMed 32906215 (cited by Women's Health and Genetics/Laboratory Corporation of America, LabCorp); PubMed 33298767 (cited by Women's Health and Genetics/Laboratory Corporation of America, LabCorp and Quest Diagnostics Nichols Institute San Juan Capistrano); PubMed 34326862 (cited by Women's Health and Genetics/Laboratory Corporation of America, LabCorp and Quest Diagnostics Nichols Institute San Juan Capistrano); PubMed 37725924 (cited by Women's Health and Genetics/Laboratory Corporation of America, LabCorp); PubMed 38115798 (cited by Women's Health and Genetics/Laboratory Corporation of America, LabCorp); PubMed 39594831 (cited by Women's Health and Genetics/Laboratory Corporation of America, LabCorp); PubMed 39590369 (cited by Women's Health and Genetics/Laboratory Corporation of America, LabCorp).